The following is an entry in ClinVar:

NM_032608.7(MYO18B):c.6470+1G>A

Gene: MYO18B (myosin XVIIIB; plus strand). Cytogenetic location: 22q12.1.
Variant type: single nucleotide variant.
Coding change: c.6470+1G>A on transcript NM_032608.7 (MANE Select); the canonical splice donor site of the intron after coding-DNA position 6470, G replaced by A.
Molecular consequence: splice donor variant.
Genome position (GRCh38, 1-based): chr22:26,004,856, G>A. VCF-style: chr22-26004856-G-A. GRCh37 (hg19) VCF-style: chr22-26400822-G-A.
Other names: c.6473+1G>A (NM_001318245.2).
Identifiers: ClinVar variation 1429199 (VCV001429199.6), dbSNP rs1934298147, ClinGen allele CA411007422.
Genomic context (GRCh38, chr22:26,004,856, plus strand): 5'-AGATACTATGAGGACTCCTTCTCGACAGTCAGCCACCAGCAGCCGCATCCTCAGCCCCAG[G>A]TAAGAGTATCTCCTTGCTGCCTCTGGATGGCTAATAGCTTGAAGAATCTCAGACTTTGAA-3'

ClinVar aggregate classification (germline): Uncertain significance (1 of 4 stars; one submission).

Allele frequency attached by ClinVar (database versions not stated): gnomAD exomes below 0.00001; gnomAD 0.00001; TOPMed 0.00001.
gnomAD v4.1: 4 of 1,613,320 alleles (0.00025%); highest among the groups gnomAD compares: Non-Finnish European, 0.00034%; no homozygotes.

Submission:

Labcorp Genetics (formerly Invitae), Labcorp
Classification: Uncertain significance. Last evaluated: 2022-03-03. Review status: criteria provided, single submitter. Criteria: Invitae Variant Classification Sherloc (09022015). Collection method: clinical testing. Allele origin: germline.
Comment: Variants that disrupt the consensus splice site are a relatively common cause of aberrant splicing (PMID: 17576681, 9536098). Algorithms developed to predict the effect of sequence changes on RNA splicing suggest that this variant may disrupt the consensus splice site. In summary, the available evidence is currently insufficient to determine the role of this variant in disease. Therefore, it has been classified as a Variant of Uncertain Significance. This variant has not been reported in the literature in individuals affected with MYO18B-related conditions. This sequence change falls in intron 42 of the MYO18B gene. It does not directly change the encoded amino acid sequence of the MYO18B protein. It affects a nucleotide within the consensus splice site. This variant is not present in population databases (gnomAD no frequency).

Literature cited by the submitters: PubMed 17576681; PubMed 9536098.